The following is an entry in ClinVar:

ClinVar aggregate classification (germline): Uncertain significance (1 of 4 stars; one submission).

Conditions:
Inborn genetic diseases. Identifiers: MedGen C0950123, MeSH D030342.

Submission:

Ambry Genetics
Classification: Uncertain significance for Inborn genetic diseases. Last evaluated: 2025-04-19. Review status: criteria provided, single submitter. Criteria: Ambry Variant Classification Scheme 2023. Collection method: clinical testing. Allele origin: germline.
Comment: The p.R381M variant (also known as c.1142G>T), located in coding exon 9 of the BUB1B gene, results from a G to T substitution at nucleotide position 1142. The arginine at codon 381 is replaced by methionine, an amino acid with similar properties. This amino acid position is conserved. In addition, the in silico prediction for this alteration is inconclusive. Based on the available evidence, the clinical significance of this variant remains unclear.

NM_001211.6(BUB1B):c.1142G>T (p.Arg381Met)

Gene: BUB1B (BUB1 mitotic checkpoint serine/threonine kinase B; plus strand). Cytogenetic location: 15q15.1.
Variant type: single nucleotide variant.
Coding change: c.1142G>T on transcript NM_001211.6 (MANE Select); coding-DNA position 1142, G replaced by T.
Protein change: p.Arg381Met; replaces arginine 381 with methionine.
Molecular consequence: missense variant.
Genome position (GRCh38, 1-based): chr15:40,196,628, G>T. VCF-style: chr15-40196628-G-T. GRCh37 (hg19) VCF-style: chr15-40488829-G-T.
Other names: short protein forms R381M.
Identifiers: ClinVar variation 3993709 (VCV003993709.1).